The following is an entry in ClinVar:

ClinVar aggregate classification (germline): Pathogenic (0 of 4 stars; one submission).

Conditions:
Malignant tumor of breast. Also called: Malignant breast neoplasm; Cancer breast. Identifiers: MedGen C0006142, MONDO:0007254. Disease mechanism: loss of function.

Submission:

Department of Pathology and Laboratory Medicine, Sinai Health System
Classification: Pathogenic for Malignant tumor of breast. Review status: no assertion criteria provided. Collection method: clinical testing. Allele origin: unknown. Affected: yes. Observed: 1 variant allele. Study: The Canadian Open Genetics Repository (COGR).
Comment: The BRCA1 p.Phe1761Serfs*4 variant was not identified in the literature nor was it identified in the dbSNP, ClinVar, LOVD 3.0, UMD-LSDB, databases. However, the variant c.5282delC with the same protein consequence of p.Phe1761Serfs*4 was reported in both ClinVar and UMD as pathogenic. The variant was not identified in the following control databases: the Exome Aggregation Consortium (August 8th 2016), or the Genome Aggregation Database (Feb 27, 2017). The p.Phe1761Serfs*4 variant is predicted to cause a frameshift, which alters the protein's amino acid sequence beginning at codon 1761 and leads to a premature stop codon at position 1764. This alteration is then predicted to result in a truncated or absent protein and loss of function. Loss of function variants of the BRCA1 gene are an established mechanism of disease in hereditary breast and ovarian cancer and is the type of variant expected to cause the disorder. In summary, based on the above information this variant meets our laboratoryâ€šÃ„Ã´s criteria to be classified as pathogenic.

NM_007294.4(BRCA1):c.5280del (p.Phe1761fs)

Gene: BRCA1 (BRCA1 DNA repair associated; minus strand). Cytogenetic location: 17q21.31.
Variant type: Deletion.
Coding change: c.5280del on transcript NM_007294.4 (MANE Select); coding-DNA position 5280, one base deleted (C; older notation c.5280delC).
Protein change: p.Phe1761fs; shifts the reading frame from phenylalanine 1761.
Molecular consequence: frameshift variant. On other transcripts: non-coding transcript variant (1).
Genome position (GRCh38, 1-based): chr17:43,051,115, G deleted on the plus strand (C on the coding strand, the reverse complement: BRCA1 is on the minus strand). VCF-style (leftmost placement, unchanged base first): chr17-43051114-AG-A. GRCh37 (hg19) VCF-style: chr17-41203131-AG-A.
Other names: c.5274delC, p.Phe1759Serfs (NM_001407635.1, NM_001407636.1, NM_001407637.1 and 14 more transcripts); c.5067delC, p.Phe1690Serfs (NM_001407571.1, NM_001407906.1, NM_001407907.1 and 12 more transcripts); c.5346delC, p.Phe1783Serfs (NM_001407581.1, NM_001407582.1); c.5343delC, p.Phe1782Serfs (NM_001407583.1, NM_001407585.1, NM_001407587.1); c.5271delC, p.Phe1758Serfs (NM_001407644.1, NM_001407645.1); c.5340delC, p.Phe1781Serfs (NM_001407590.1, NM_001407591.1); c.5268delC, p.Phe1757Serfs (NM_001407646.1); c.5280delC, p.Phe1761Serfs (NM_001407593.1, NM_001407594.1, NM_001407596.1 and 6 more transcripts); and 75 more; short protein forms F1714fs, F1761fs, F1782fs, F657fs.
Identifiers: ClinVar variation 1049275 (VCV001049275.2), dbSNP rs2153085709, ClinGen allele CA2499224360.
Genomic context (GRCh38, chr17:43,051,114, plus strand): 5'-GGCTCTTACCTGTGGGCATGTTGGTGAAGGGCCCATAGCAACAGATTTCTAGCCCCCTGA[AG>A]ATCTGGAAGAAGAGAGGAAGAGAGAGGGACAGGGGAATGGAGAGAAGGAAAATCTAGTTA-3'